The following is an entry in ClinVar:

NM_001273.5(CHD4):c.1843T>C (p.Tyr615His)

Gene: CHD4 (chromodomain helicase DNA binding protein 4; minus strand). Cytogenetic location: 12p13.31.
Variant type: single nucleotide variant.
Coding change: c.1843T>C on transcript NM_001273.5 (MANE Select); coding-DNA position 1843, T replaced by C.
Protein change: p.Tyr615His; replaces tyrosine 615 with histidine.
Molecular consequence: missense variant.
Genome position (GRCh38, 1-based): chr12:6,597,943, A>G on the plus strand (T>C on the coding strand, the complement: CHD4 is on the minus strand). VCF-style: chr12-6597943-A-G. GRCh37 (hg19) VCF-style: chr12-6707109-A-G.
Other names: c.1822T>C, p.Tyr608His (NM_001297553.2); c.1804T>C, p.Tyr602His (NM_001363606.2); short protein forms Y602H, Y608H, Y615H.
Identifiers: ClinVar variation 4278888 (VCV004278888.1).

ClinVar aggregate classification (germline): Uncertain significance (1 of 4 stars; one submission).

Submission:

GeneDx
Classification: Uncertain significance. Last evaluated: 2025-04-01. Review status: criteria provided, single submitter. Criteria: GeneDx Variant Classification Process June 2021. Collection method: clinical testing. Allele origin: germline. Affected: yes.
Comment: Not observed at significant frequency in large population cohorts (gnomAD); In silico analysis supports that this missense variant has a deleterious effect on protein structure/function; Has not been previously published as pathogenic or benign to our knowledge